The following is an entry in ClinVar:

NM_000540.3(RYR1):c.14474G>A (p.Arg4825His)

Gene: RYR1 (ryanodine receptor 1; plus strand). Cytogenetic location: 19q13.2.
Variant type: single nucleotide variant.
Coding change: c.14474G>A on transcript NM_000540.3 (MANE Select); coding-DNA position 14474, G replaced by A.
Protein change: p.Arg4825His; replaces arginine 4825 with histidine.
Molecular consequence: missense variant.
Genome position (GRCh38, 1-based): chr19:38,580,091, G>A. VCF-style: chr19-38580091-G-A. GRCh37 (hg19) VCF-style: chr19-39070731-G-A.
Other names: c.14459G>A, p.Arg4820His (NM_001042723.2); short protein forms R4820H, R4825H.
Identifiers: ClinVar variation 839243 (VCV000839243.19), dbSNP rs193922875, ClinGen allele CA061315.

ClinVar aggregate classification (germline): Conflicting classifications of pathogenicity. Review status: criteria provided, conflicting classifications (1 of 4 stars). 7 submissions from 7 submitters: Pathogenic (1); Likely pathogenic (1); Uncertain significance (4). 1 of the submissions does not count toward it. Last evaluated 2025-10-22.

Conditions:
Central core myopathy (CMYO1A). Also called: CONGENITAL MYOPATHY 1A, AUTOSOMAL DOMINANT, WITH SUSCEPTIBILITY TO MALIGNANT HYPERTHERMIA; Central core disease; Myopathy, central fibrillar. Identifiers: Orphanet 597, MedGen C5830701, MONDO:0007294, OMIM 117000.
Congenital multicore myopathy with external ophthalmoplegia (CMYO1B). Also called: MULTICORE MYOPATHY; Minicore myopathy with external ophthalmoplegia; MULTIMINICORE DISEASE WITH EXTERNAL OPHTHALMOPLEGIA; Congenital myopathy 1B, autosomal recessive; Minicore myopathy. Identifiers: Orphanet 598, Orphanet 98905, MedGen C1850674, MONDO:0009712, OMIM 255320, HP:0003789.
King Denborough syndrome (KDS). Identifiers: MedGen C1840365, MONDO:0020485, OMIM 619542.
Malignant hyperthermia, susceptibility to, 1 (MHS1). Also called: RYR1-Related Malignant Hyperthermia Susceptibility; Malignant hyperthermia suceptibility 1; Anesthesia related hyperthermia; Malignant hyperpyrexia; Fulminating hyperpyrexia; Pharmacogenic myopathy. Identifiers: Orphanet 423, MedGen C2930980, MONDO:0007783, OMIM 145600.
Congenital myopathy with fiber type disproportion. Also called: Congenital fiber-type disproportion myopathy; Congenital fiber-type disproportion. Identifiers: Orphanet 2020, MedGen C0546264, MONDO:0009711. Inheritance: all.
RYR1-related disorder. Also called: RYR1-related disorders; RYR1-related condition. Identifiers: MedGen CN239331.

Allele frequency attached by ClinVar (database versions not stated): gnomAD 0.00001 and 0.00002; TOPMed 0.00002; ExAC 0.00003; gnomAD exomes 0.00003 and 0.00004; ESP Exome Variant Server 0.00008.
gnomAD v4.1: 54 of 1,614,036 alleles (0.0033%); highest among the groups gnomAD compares: Non-Finnish European, 0.0037%; no homozygotes.

Submissions (7):

Dasa
Classification: Uncertain significance. Last evaluated: 2025-10-22. Review status: criteria provided, single submitter. Criteria: DASA Assertion Criteria. Collection method: clinical testing. Allele origin: germline.
Comment: NM_000540.3(RYR1):c.14474G>A (p.Arg4825His) is a missense variant that results in the substitution of arginine with histidine. The affected residue or protein region has prior evidence supporting clinical relevance. This variant has been reported in individuals with RYR1-related disorders (PMID: 36283893). Also, this variant is rare in population databases. Computational prediction algorithms are consistent with a deleterious effect. The currently available literature and clinical evidence are not sufficient to establish a definitive association between this variant and the reported condition. Therefore, this variant is classified as a variant of uncertain significance.

Labcorp Genetics (formerly Invitae), Labcorp
Classification: Pathogenic for RYR1-related disorder. Last evaluated: 2025-06-22. Review status: criteria provided, single submitter. Criteria: Invitae Variant Classification Sherloc (09022015). Collection method: clinical testing. Allele origin: germline.
Comment: This sequence change replaces arginine, which is basic and polar, with histidine, which is basic and polar, at codon 4825 of the RYR1 protein (p.Arg4825His). This variant is present in population databases (rs193922875, gnomAD 0.006%). This missense change has been observed in individual(s) with autosomal dominant malignant hyperthermia susceptibility (PMID: 36283893). ClinVar contains an entry for this variant (Variation ID: 839243). Invitae Evidence Modeling of protein sequence and biophysical properties (such as structural, functional, and spatial information, amino acid conservation, physicochemical variation, residue mobility, and thermodynamic stability) indicates that this missense variant is expected to disrupt RYR1 protein function with a positive predictive value of 80%. This variant disrupts the p.Arg4825Cys amino acid residue in RYR1. Other variant(s) that disrupt this residue have been determined to be pathogenic (PMID: 11709545, 17204937, 35081925, 35428369). This suggests that this residue is clinically significant, and that variants that disrupt this residue are likely to be disease-causing. For these reasons, this variant has been classified as Pathogenic.

Color Diagnostics, LLC DBA Color Health
Classification: Uncertain significance for Malignant hyperthermia, susceptibility to, 1. Last evaluated: 2024-02-02. Review status: criteria provided, single submitter. Criteria: ACMG Guidelines, 2015. Collection method: clinical testing. Allele origin: germline.
Comment: This missense variant replaces arginine with histidine at codon 4825 of the RYR1 protein. Computational prediction suggests that this variant may have deleterious impact on protein structure and function. To our knowledge, functional studies have not been reported for this variant. This variant has been reported in an individual with malignant hyperthermia susceptibility (PMID: 36283893). This variant has been identified in 9/251380 chromosomes in the general population by the Genome Aggregation Database (gnomAD). The available evidence is insufficient to determine the role of this variant in disease conclusively. Therefore, this variant is classified as a Variant of Uncertain Significance.

Revvity Omics, Revvity
Classification: Uncertain significance. Last evaluated: 2022-11-16. Review status: criteria provided, single submitter. Criteria: ACMG Guidelines, 2015. Collection method: clinical testing. Allele origin: germline.

Fulgent Genetics
Classification: Uncertain significance for Central core myopathy; Malignant hyperthermia, susceptibility to, 1; Congenital myopathy 4A, autosomal dominant; Congenital multicore myopathy with external ophthalmoplegia; King Denborough syndrome. Last evaluated: 2021-09-14. Review status: criteria provided, single submitter. Criteria: ACMG Guidelines, 2015. Collection method: clinical testing. Allele origin: unknown.

Juno Genomics, Hangzhou Juno Genomics, Inc
Classification: Likely pathogenic for Central core myopathy; Congenital multicore myopathy with external ophthalmoplegia; Malignant hyperthermia, susceptibility to, 1; King Denborough syndrome. Review status: criteria provided, single submitter. Criteria: ACMG Guidelines, 2015. Collection method: clinical testing. Allele origin: germline.
Comment: Absent from controls (or at extremely low frequency if recessive) in Genome Aggregation Database.;Multiple lines of computational evidence support a deleterious effect on the gene or gene product.;The prevalence of the variant in affected individuals is significantly increased compared to the prevalence in controls.

PreventionGenetics, part of Exact Sciences
Classification: Uncertain significance for RYR1-related condition. Last evaluated: 2024-08-27. Review status: no assertion criteria provided. Collection method: clinical testing. Allele origin: germline. Not counted in ClinVar's aggregate classification.
Comment: The RYR1 c.14474G>A variant is predicted to result in the amino acid substitution p.Arg4825His. This variant has been reported in an individual with myalgia and neuromuscular complications (Table A, Janssens et al. 2022. PubMed ID: 36283893). It is reported in 0.0053% of alleles in individuals of European (non-Finnish) descent in gnomAD v2; however, in gnomAD v4 (available only on GRCh38), this variant is reported in 54 of 1614036 of alleles which may be too common for an autosomal dominant variant. An alternate nucleotide change affecting the same amino acid (p.Arg4825Cys) has been reported in several individuals with core myopathies (Table 1, Zhang et al. 2022. PubMed ID: 35081925; Table 1, Fusto et al. 2022. PubMed ID: 35428369; Table 1, Herasse et al. 2007. PubMed ID: 17204937) and was shown to segregate with central core disease in a family (Monnier et al. 2001. PubMed ID: 11709545). The c.14474G>A variant has conflicting classifications in ClinVar ranging from uncertain to pathogenic. At this time, the clinical significance of this variant is uncertain due to the absence of conclusive functional and genetic evidence.

Literature cited by the submitters: PubMed 36283893 (cited by 3 submitters); PubMed 11709545 (cited by Labcorp Genetics (formerly Invitae), Labcorp); PubMed 17204937 (cited by Labcorp Genetics (formerly Invitae), Labcorp); PubMed 35081925 (cited by Labcorp Genetics (formerly Invitae), Labcorp); PubMed 35428369 (cited by Labcorp Genetics (formerly Invitae), Labcorp).